The following is an entry in ClinVar:

ClinVar aggregate classification (germline): Pathogenic. Review status: criteria provided, multiple submitters, no conflicts (2 of 4 stars). 13 submissions from 13 submitters: Pathogenic (9). 4 of the submissions do not count toward it. Last evaluated 2024-08-07.

Conditions:
FOXP1-related disorder. Also called: FOXP1-related condition.
FOXP1-related disorders.
INTELLECTUAL DEVELOPMENTAL DISORDER WITH LANGUAGE IMPAIRMENT AND AUTISTIC FEATURES.
Intellectual disability-severe speech delay-mild dysmorphism syndrome (IDDLA). Also called: Mental retardation with language impairment and autistic features; Intellectual developmental disorder with language impairment AND with or without autistic features; FOXP1 Syndrome. Identifiers: Orphanet 391372, MedGen C4013764, MONDO:0013352, OMIM 613670.

Submissions (13):

Labcorp Genetics (formerly Invitae), Labcorp
Classification: Pathogenic. Last evaluated: 2024-08-07. Review status: criteria provided, single submitter. Criteria: Invitae Variant Classification Sherloc (09022015). Collection method: clinical testing. Allele origin: germline.
Comment: This sequence change replaces arginine, which is basic and polar, with cysteine, which is neutral and slightly polar, at codon 514 of the FOXP1 protein (p.Arg514Cys). This variant is not present in population databases (gnomAD no frequency). This missense change has been observed in individual(s) with intellectual disability syndrome (PMID: 26647308). In at least one individual the variant was observed to be de novo. ClinVar contains an entry for this variant (Variation ID: 217265). Advanced modeling of protein sequence and biophysical properties (such as structural, functional, and spatial information, amino acid conservation, physicochemical variation, residue mobility, and thermodynamic stability) performed at Invitae indicates that this missense variant is expected to disrupt FOXP1 protein function with a positive predictive value of 80%. This variant disrupts the p.Arg514 amino acid residue in FOXP1. Other variant(s) that disrupt this residue have been determined to be pathogenic (PMID: 28741757). This suggests that this residue is clinically significant, and that variants that disrupt this residue are likely to be disease-causing. For these reasons, this variant has been classified as Pathogenic.

GeneDx
Classification: Pathogenic. Last evaluated: 2023-01-12. Review status: criteria provided, single submitter. Criteria: GeneDx Variant Classification Process June 2021. Collection method: clinical testing. Allele origin: germline. Affected: yes.
Comment: Not observed in large population cohorts (gnomAD); In silico analysis, which includes protein predictors and evolutionary conservation, supports a deleterious effect; This variant is associated with the following publications: (PMID: 26647308, 31199603, 28741757, 34109629, 31981491)

PreventionGenetics, part of Exact Sciences
Classification: Pathogenic for FOXP1-related condition. Last evaluated: 2023-01-06. Review status: criteria provided, single submitter. Criteria: ACMG Guidelines, 2015. Collection method: clinical testing. Allele origin: germline.
Comment: The FOXP1 c.1540C>T variant is predicted to result in the amino acid substitution p.Arg514Cys. This variant has been reported de novo in individuals with global developmental disorder, intellectual disability, and/or speech and language delay (Sollis et al. 2015. PubMed ID: 26647308; Braden et al. 2021. PubMed ID: 34109629). Function studies have shown that this variant impacts protein function (Sollis et al. 2015. PubMed ID: 26647308; Estruch et al. 2018. PMID: 29365100). This variant has not been reported in a large population database, indicating this variant is rare, and is interpreted as pathogenic in ClinVar by several laboratories. This variant is interpreted as pathogenic.

Blueprint Genetics
Classification: Pathogenic for FOXP1-related disorders. Last evaluated: 2022-08-22. Review status: criteria provided, single submitter. Criteria: ACMG Guidelines, 2015. Collection method: clinical testing. Allele origin: de novo. Affected: yes. Observed: 1 variant allele.

Dasa
Classification: Pathogenic for Intellectual disability-severe speech delay-mild dysmorphism syndrome. Last evaluated: 2022-01-05. Review status: criteria provided, single submitter. Criteria: ACMG Guidelines, 2015. Collection method: clinical testing. Allele origin: germline. Affected: yes. Observed: 1 variant allele.
Comment: The c.1540C>T;p.(Arg514Cys) missense variant has been observed in affected individual(s) and ClinVar contains an entry for this variant (ClinVar ID: 217265; PMID: 26647308) - PS4.The variant is located in a mutational hot spot and/or critical and well-established functional domain (Forkhead domain) - PM1. This variant is not present in population databases (rs869025203, gnomAD; ABraOM no frequency) - PM2. Pathogenic missense variant in this residue have been reported (PMID: 28741757 - c.1541G>A (p.Arg514His) - ) - .PM5. Multiple lines of computational evidence support a deleterious effect on the gene or gene product - PP3. In summary, the currently available evidence indicates that the variant is pathogenic.

Victorian Clinical Genetics Services, Murdoch Childrens Research Institute
Classification: Pathogenic for Intellectual disability-severe speech delay-mild dysmorphism syndrome. Last evaluated: 2021-05-06. Review status: criteria provided, single submitter. Criteria: ACMG Guidelines, 2015. Collection method: clinical testing. Allele origin: germline. Inheritance: Autosomal dominant inheritance. Affected: yes.
Comment: Based on the classification scheme VCGS_Germline_v1.3.4, this variant is classified as pathogenic. Following criteria are met: 0103 - Dominant negative and loss of function are known mechanisms of disease in this gene and are associated with intellectual disability with language impairment and with or without autistic features (MIM#613670). Loss of function leading to haploinsufficiency has been demonstrated, however some variants have also been shown to bind to wild type FOXP1 and affect wild type function and localisation (PMID: 26647308). (I) 0107 - This gene is associated with autosomal dominant disease. (I) 0200 - Variant is predicted to result in a missense amino acid change from arginine to cysteine. (I) 0251 - This variant is heterozygous. (I) 0301 - Variant is absent from gnomAD (both v2 and v3). (SP) 0501 - Missense variant consistently predicted to be damaging by multiple in silico tools or highly conserved with a major amino acid change. (SP) 0601 - Variant is located in the well-established functional forkhead domain. Moreover, the affected residue is a DNA binding site (Decipher; NCBI conserved domain). (SP) 0704 - Another missense variant comparable to the one identified in this case has limited previous evidence for pathogenicity. The p.(Arg514His) variant is de novo in three unrelated individuals with mild to severe intellectual disability (PMID: 28741757). (SP) 0801 - This variant has strong previous evidence of pathogenicity in unrelated individuals. This variant is de novo in two individuals with intellectual disability (ClinVar, PMID: 26647308). (SP) 0905 - No published segregation evidence has been identified for this variant. (I) 1002 - This variant has moderate functional evidence supporting abnormal protein function. Mutant constructs transfected into HEK293T cells resulted in reduced protein expression with subsequent mis-localisation and reduced transcriptional repression ability of the protein (PMID: 26647308). (SP) Legend: (SP) - Supporting pathogenic, (I) - Information, (SB) - Supporting benign

Greenwood Genetic Center Diagnostic Laboratories, Greenwood Genetic Center
Classification: Pathogenic. Last evaluated: 2020-12-29. Review status: criteria provided, single submitter. Criteria: ACMG Guidelines, 2015. Collection method: clinical testing. Allele origin: germline. Affected: yes.
Comment: PS3, PM2, PM6, PS4_Moderate

Institute of Medical Genetics and Applied Genomics, University Hospital Tübingen
Classification: Pathogenic. Last evaluated: 2020-10-23. Review status: criteria provided, single submitter. Criteria: ACMG Guidelines, 2015. Collection method: clinical testing. Allele origin: germline. Inheritance: Unknown mechanism. Affected: yes.

Language and Genetics Department, Max Planck Institute for Psycholinguistics
Classification: Pathogenic for Mental retardation with language impairment and with or without autistic features. Last evaluated: 2015-01-01. Review status: criteria provided, single submitter. Criteria: Sollis et al. 2015. Collection method: clinical testing, in vitro. Allele origin: de novo, not applicable. Affected: yes. Observed: 1 variant allele, 1 heterozygote.

OMIM
Classification: Pathogenic for INTELLECTUAL DEVELOPMENTAL DISORDER WITH LANGUAGE IMPAIRMENT AND AUTISTIC FEATURES. Last evaluated: 2024-10-16. Review status: no assertion criteria provided. Collection method: literature only. Allele origin: germline. Not counted in ClinVar's aggregate classification.

Zotz-Klimas Genetics Lab, MVZ Zotz Klimas
Classification: Likely pathogenic for Intellectual disability-severe speech delay-mild dysmorphism syndrome. Last evaluated: 2023-11-02. Review status: no assertion criteria provided. Collection method: clinical testing. Allele origin: germline. Affected: yes. Not counted in ClinVar's aggregate classification.

Genome Diagnostics Laboratory, Amsterdam University Medical Center
Classification: Likely pathogenic. Review status: no assertion criteria provided. Collection method: clinical testing. Allele origin: germline. Affected: yes. Study: VKGL Data-share Consensus. Not counted in ClinVar's aggregate classification.

Joint Genome Diagnostic Labs from Nijmegen and Maastricht, Radboudumc and MUMC+
Classification: Likely pathogenic. Review status: no assertion criteria provided. Collection method: clinical testing. Allele origin: germline. Affected: yes. Study: VKGL Data-share Consensus. Not counted in ClinVar's aggregate classification.

Literature cited by the submitters: PubMed 26647308 (cited by 4 submitters); PubMed 28741757 (cited by Labcorp Genetics (formerly Invitae), Labcorp and Victorian Clinical Genetics Services, Murdoch Childrens Research Institute); PubMed 29142287 (cited by Dasa); PubMed 28653555 (cited by Dasa); PubMed 25575603 (cited by Dasa); PubMed 24498627 (cited by Dasa); PubMed 17405132 (cited by Dasa).

NM_001349338.3(FOXP1):c.1540C>T (p.Arg514Cys)

Gene: FOXP1 (forkhead box P1; minus strand). Cytogenetic location: 3p13.
Variant type: single nucleotide variant.
Coding change: c.1540C>T on transcript NM_001349338.3 (MANE Select); coding-DNA position 1540, C replaced by T.
Protein change: p.Arg514Cys; replaces arginine 514 with cysteine.
Molecular consequence: missense variant. On other transcripts: non-coding transcript variant (2), intron variant (1).
Genome position (GRCh38, 1-based): chr3:70,972,667, G>A on the plus strand (C>T on the coding strand, the complement: FOXP1 is on the minus strand). VCF-style: chr3-70972667-G-A. GRCh37 (hg19) VCF-style: chr3-71021818-G-A.
Other names: c.1537C>T, p.Arg513Cys (NM_001244808.3, NM_001349341.3); c.1312C>T, p.Arg438Cys (NM_001244812.3); c.1240C>T, p.Arg414Cys (NM_001244813.3, NM_001244815.2, NM_001349342.3); c.1540C>T, p.Arg514Cys (NM_001244814.3, NM_001244816.2, NM_001349340.3 and 1 more transcripts); c.1237C>T, p.Arg413Cys (NM_001349337.2, NM_001349343.3, NM_001349344.3 and 1 more transcripts); c.1531-487C>T (NM_001244810.2); short protein forms R514C, R413C, R414C, R438C, R513C.
Identifiers: ClinVar variation 217265 (VCV000217265.27), dbSNP rs869025203, ClinGen allele CA351646.